The following is an entry in ClinVar:

NM_006005.3(WFS1):c.2366G>C (p.Gly789Ala)

Gene: WFS1 (wolframin ER transmembrane glycoprotein; plus strand). Cytogenetic location: 4p16.1.
Variant type: single nucleotide variant.
Coding change: c.2366G>C on transcript NM_006005.3 (MANE Select); coding-DNA position 2366, G replaced by C.
Protein change: p.Gly789Ala; replaces glycine 789 with alanine.
Molecular consequence: missense variant.
Genome position (GRCh38, 1-based): chr4:6,302,161, G>C. VCF-style: chr4-6302161-G-C. GRCh37 (hg19) VCF-style: chr4-6303888-G-C.
Other names: c.2366G>C, p.Gly789Ala (NM_001145853.1); short protein forms G789A.
Identifiers: ClinVar variation 1316383 (VCV001316383.7), dbSNP rs773050651, ClinGen allele CA2839704.

ClinVar aggregate classification (germline): Uncertain significance. Review status: criteria provided, multiple submitters, no conflicts (2 of 4 stars). 2 submissions from 2 submitters: Uncertain significance (2). Last evaluated 2024-12-13.

Allele frequency attached by ClinVar (database versions not stated): TOPMed 0.00002; ExAC 0.00001; gnomAD 0.00001; gnomAD exomes 0.00001.
gnomAD v4.1: 4 of 1,612,692 alleles (0.00025%); highest among the groups gnomAD compares: African/African-American, 0.004%; no homozygotes.

Submissions (2):

Labcorp Genetics (formerly Invitae), Labcorp
Classification: Uncertain significance. Last evaluated: 2024-12-13. Review status: criteria provided, single submitter. Criteria: Invitae Variant Classification Sherloc (09022015). Collection method: clinical testing. Allele origin: germline.
Comment: This sequence change replaces glycine, which is neutral and non-polar, with alanine, which is neutral and non-polar, at codon 789 of the WFS1 protein (p.Gly789Ala). This variant is present in population databases (rs773050651, gnomAD 0.01%). This variant has not been reported in the literature in individuals affected with WFS1-related conditions. ClinVar contains an entry for this variant (Variation ID: 1316383). Invitae Evidence Modeling of protein sequence and biophysical properties (such as structural, functional, and spatial information, amino acid conservation, physicochemical variation, residue mobility, and thermodynamic stability) indicates that this missense variant is not expected to disrupt WFS1 protein function with a negative predictive value of 95%. In summary, the available evidence is currently insufficient to determine the role of this variant in disease. Therefore, it has been classified as a Variant of Uncertain Significance.

GeneDx
Classification: Uncertain significance. Last evaluated: 2022-12-07. Review status: criteria provided, single submitter. Criteria: GeneDx Variant Classification Process June 2021. Collection method: clinical testing. Allele origin: germline. Affected: yes.
Comment: Not observed at a significant frequency in large population cohorts (gnomAD); In silico analysis, which includes protein predictors and evolutionary conservation, supports that this variant does not alter protein structure/function; Has not been previously published as pathogenic or benign to our knowledge